The following is an entry in ClinVar:

ClinVar aggregate classification (germline): Likely benign. Review status: criteria provided, multiple submitters, no conflicts (2 of 4 stars). 2 submissions from 2 submitters: Likely benign (2). Last evaluated 2024-02-14.

Conditions:
Muscular dystrophy-dystroglycanopathy (congenital with brain and eye anomalies), type A2. Also called: MUSCULAR DYSTROPHY-DYSTROGLYCANOPATHY (CONGENITAL WITH BRAIN AND EYE ANOMALIES), TYPE A, 2; WALKER-WARBURG SYNDROME OR MUSCLE-EYE-BRAIN DISEASE, POMT2-RELATED. Identifiers: Orphanet 588, Orphanet 899, MedGen C3150411, MONDO:0013154, OMIM 613150.
Muscular dystrophy-dystroglycanopathy (congenital with impaired intellectual development), type B, 2. Also called: Muscular dystrophy-dystroglycanopathy (congenital with intellectual disability), type B2; MUSCULAR DYSTROPHY, CONGENITAL, POMT2-RELATED. Identifiers: MedGen C3150416, MONDO:0013160, OMIM 613156.
Autosomal recessive limb-girdle muscular dystrophy type 2N. Also called: Muscular dystrophy-dystroglycanopathy (limb-girdle), type C, 2; MUSCULAR DYSTROPHY-DYSTROGLYCANOPATHY, LIMB-GIRDLE, POMT2-RELATED. Identifiers: Orphanet 206559, MedGen C3150418, MONDO:0013162, OMIM 613158.

Allele frequency attached by ClinVar (database versions not stated): TOPMed 0.00004; ExAC 0.00005; gnomAD 0.00007 and 0.00006; gnomAD exomes 0.00001 and 0.00002; 1000 Genomes Project 30x 0.00047; 1000 Genomes Project 0.00060.
gnomAD v4.1: 21 of 1,491,464 alleles (0.0014%); highest among the groups gnomAD compares: Admixed American, 0.0097%; no homozygotes.

Submissions (2):

Labcorp Genetics (formerly Invitae), Labcorp
Classification: Likely benign for Muscular dystrophy-dystroglycanopathy (congenital with impaired intellectual development), type B, 2; Muscular dystrophy-dystroglycanopathy (congenital with brain and eye anomalies), type A2; Autosomal recessive limb-girdle muscular dystrophy type 2N. Last evaluated: 2024-02-14. Review status: criteria provided, single submitter. Criteria: Invitae Variant Classification Sherloc (09022015). Collection method: clinical testing. Allele origin: germline.

GeneDx
Classification: Likely benign. Last evaluated: 2017-06-08. Review status: criteria provided, single submitter. Criteria: GeneDx Variant Classification (06012015). Collection method: clinical testing. Allele origin: germline. Affected: yes.
Comment: This variant is considered likely benign or benign based on one or more of the following criteria: it is a conservative change, it occurs at a poorly conserved position in the protein, it is predicted to be benign by multiple in silico algorithms, and/or has population frequency not consistent with disease.

NM_013382.7(POMT2):c.2112G>A (p.Ala704=)

Gene: POMT2 (protein O-mannosyltransferase 2; minus strand). Cytogenetic location: 14q24.3.
Variant type: single nucleotide variant.
Coding change: c.2112G>A on transcript NM_013382.7 (MANE Select); coding-DNA position 2112, G replaced by A.
Protein change: p.Ala704=; no amino-acid change (alanine 704 retained).
Molecular consequence: synonymous variant.
Genome position (GRCh38, 1-based): chr14:77,278,429, C>T on the plus strand (G>A on the coding strand, the complement: POMT2 is on the minus strand). VCF-style: chr14-77278429-C-T. GRCh37 (hg19) VCF-style: chr14-77744772-C-T.
Identifiers: ClinVar variation 509852 (VCV000509852.9), dbSNP rs548359755, ClinGen allele CA7285542.
Genomic context (GRCh38, chr14:77,278,429, plus strand): 5'-GCATGTGAGGTGCAGAGATGCTCACCTGTAGGCAGTTCCCAGGAGCAGGCTCAGGATTCC[C>T]GCCACATGTATGCCCCTCGCCAGGGGCCATGAGGCCAAGCCCCAGGCACAGAGCCGCAGG-3'
Protein context (NP_037514.2, residues 694-714): SWPLARGIHV[Ala704=]GILSLLLGTA